The following is an entry in ClinVar:

ClinVar aggregate classification (germline): Uncertain significance. Review status: criteria provided, multiple submitters, no conflicts (2 of 4 stars). 2 submissions from 2 submitters: Uncertain significance (2). Last evaluated 2026-03-27.

Conditions:
Epileptic encephalopathy. Identifiers: MedGen C0543888, HP:0200134.

Allele frequency attached by ClinVar (database versions not stated): ExAC 0.00004; gnomAD exomes 0.00001 and 0.00002; TOPMed below 0.00001; ESP Exome Variant Server 0.00008.
gnomAD v4.1: 19 of 1,613,182 alleles (0.0012%); highest among the groups gnomAD compares: Middle Eastern, 0.017%; no homozygotes.

Submissions (2):

Dasa
Classification: Uncertain significance. Last evaluated: 2026-03-27. Review status: criteria provided, single submitter. Criteria: DASA Assertion Criteria. Collection method: clinical testing. Allele origin: germline.
Comment: NM_005458.8(GABBR2):c.2221G>A (p.Val741Met) is a missense variant that results in the substitution of valine with methionine. This classification is supported by population frequency inconsistent with a disease-causing role. The currently available literature and clinical evidence are not sufficient to establish a definitive association between this variant and the reported condition. Therefore, this variant is classified as a variant of uncertain significance.

Labcorp Genetics (formerly Invitae), Labcorp
Classification: Uncertain significance for Epileptic encephalopathy. Last evaluated: 2024-11-28. Review status: criteria provided, single submitter. Criteria: Invitae Variant Classification Sherloc (09022015). Collection method: clinical testing. Allele origin: germline.
Comment: This sequence change replaces valine, which is neutral and non-polar, with methionine, which is neutral and non-polar, at codon 741 of the GABBR2 protein (p.Val741Met). This variant is present in population databases (rs370955037, gnomAD 0.006%). This variant has not been reported in the literature in individuals affected with GABBR2-related conditions. ClinVar contains an entry for this variant (Variation ID: 953287). Invitae Evidence Modeling of protein sequence and biophysical properties (such as structural, functional, and spatial information, amino acid conservation, physicochemical variation, residue mobility, and thermodynamic stability) indicates that this missense variant is not expected to disrupt GABBR2 protein function with a negative predictive value of 80%. In summary, the available evidence is currently insufficient to determine the role of this variant in disease. Therefore, it has been classified as a Variant of Uncertain Significance.

NM_005458.8(GABBR2):c.2221G>A (p.Val741Met)

Gene: GABBR2 (gamma-aminobutyric acid type B receptor subunit 2; minus strand). Cytogenetic location: 9q22.33.
Variant type: single nucleotide variant.
Coding change: c.2221G>A on transcript NM_005458.8 (MANE Select); coding-DNA position 2221, G replaced by A.
Protein change: p.Val741Met; replaces valine 741 with methionine.
Molecular consequence: missense variant.
Genome position (GRCh38, 1-based): chr9:98,306,129, C>T on the plus strand (G>A on the coding strand, the complement: GABBR2 is on the minus strand). VCF-style: chr9-98306129-C-T. GRCh37 (hg19) VCF-style: chr9-101068411-C-T.
Other names: short protein forms V741M.
Identifiers: ClinVar variation 953287 (VCV000953287.11), dbSNP rs370955037, ClinGen allele CA5152520.